The following is an entry in ClinVar:

ClinVar aggregate classification (germline): Uncertain significance. Review status: criteria provided, multiple submitters, no conflicts (2 of 4 stars). 2 submissions from 2 submitters: Uncertain significance (2). Last evaluated 2025-03-26.

Conditions:
ADGRV1-related disorder. Also called: ADGRV1-related condition; ADGRV1-related disorders.

Allele frequency attached by ClinVar (database versions not stated): TOPMed below 0.00001; gnomAD 0.00001.
gnomAD v4.1: 23 of 1,606,834 alleles (0.0014%); highest among the groups gnomAD compares: Non-Finnish European, 0.0019%; no homozygotes.

Submissions (2):

PreventionGenetics, part of Exact Sciences
Classification: Uncertain significance for ADGRV1-related condition. Last evaluated: 2025-03-26. Review status: criteria provided, single submitter. Criteria: ACMG Guidelines, 2015. Collection method: clinical testing. Allele origin: germline.
Comment: The ADGRV1 c.2959G>C variant is predicted to result in the amino acid substitution p.Val987Leu. To our knowledge, this variant has not been reported in the literature. This variant is reported in 0.00091% of alleles in individuals of European (Non-Finnish) descent in gnomAD. At this time, the clinical significance of this variant is uncertain due to the absence of conclusive functional and genetic evidence.

Labcorp Genetics (formerly Invitae), Labcorp
Classification: Uncertain significance. Last evaluated: 2022-05-05. Review status: criteria provided, single submitter. Criteria: Invitae Variant Classification Sherloc (09022015). Collection method: clinical testing. Allele origin: germline.
Comment: This sequence change replaces valine, which is neutral and non-polar, with leucine, which is neutral and non-polar, at codon 987 of the ADGRV1 protein (p.Val987Leu). This variant is present in population databases (no rsID available, gnomAD 0.0009%). This variant has not been reported in the literature in individuals affected with ADGRV1-related conditions. Algorithms developed to predict the effect of missense changes on protein structure and function output the following: SIFT: "Tolerated"; PolyPhen-2: "Benign"; Align-GVGD: "Class C0". The leucine amino acid residue is found in multiple mammalian species, which suggests that this missense change does not adversely affect protein function. In summary, the available evidence is currently insufficient to determine the role of this variant in disease. Therefore, it has been classified as a Variant of Uncertain Significance.

NM_032119.4(ADGRV1):c.2959G>C (p.Val987Leu)

Gene: ADGRV1 (adhesion G protein-coupled receptor V1; plus strand). Cytogenetic location: 5q14.3.
Variant type: single nucleotide variant.
Coding change: c.2959G>C on transcript NM_032119.4 (MANE Select); coding-DNA position 2959, G replaced by C.
Protein change: p.Val987Leu; replaces valine 987 with leucine.
Molecular consequence: missense variant. On other transcripts: non-coding transcript variant (1).
Genome position (GRCh38, 1-based): chr5:90,646,028, G>C. VCF-style: chr5-90646028-G-C. GRCh37 (hg19) VCF-style: chr5-89941845-G-C.
Other names: c.2959G>C (NM_032119.3); short protein forms V987L.
Identifiers: ClinVar variation 2026464 (VCV002026464.2), dbSNP rs1368879842, ClinGen allele CA360392803.